The following is an entry in ClinVar:

ClinVar aggregate classification (germline): Uncertain significance (1 of 4 stars; one submission).

Allele frequency attached by ClinVar (database versions not stated): gnomAD exomes below 0.00001; TOPMed below 0.00001.
gnomAD v4.1: 1 of 1,577,072 alleles (0.000063%); highest among the groups gnomAD compares: Admixed American, 0.0018%; no homozygotes.

Submission:

Labcorp Genetics (formerly Invitae), Labcorp
Classification: Uncertain significance. Last evaluated: 2022-02-20. Review status: criteria provided, single submitter. Criteria: Invitae Variant Classification Sherloc (09022015). Collection method: clinical testing. Allele origin: germline.
Comment: In summary, the available evidence is currently insufficient to determine the role of this variant in disease. Therefore, it has been classified as a Variant of Uncertain Significance. Algorithms developed to predict the effect of missense changes on protein structure and function are either unavailable or do not agree on the potential impact of this missense change (SIFT: "Deleterious"; PolyPhen-2: "Probably Damaging"; Align-GVGD: "Class C0"). This variant has not been reported in the literature in individuals affected with KIAA0556-related conditions. This variant is not present in population databases (gnomAD no frequency). This sequence change replaces threonine, which is neutral and polar, with alanine, which is neutral and non-polar, at codon 124 of the KIAA0556 protein (p.Thr124Ala).

NM_015202.5(KATNIP):c.370A>G (p.Thr124Ala)

Gene: KATNIP (katanin interacting protein; plus strand). Cytogenetic location: 16p12.1.
Variant type: single nucleotide variant.
Coding change: c.370A>G on transcript NM_015202.5 (MANE Select); coding-DNA position 370, A replaced by G.
Protein change: p.Thr124Ala; replaces threonine 124 with alanine.
Molecular consequence: missense variant.
Genome position (GRCh38, 1-based): chr16:27,631,124, A>G. VCF-style: chr16-27631124-A-G. GRCh37 (hg19) VCF-style: chr16-27642445-A-G.
Other names: short protein forms T124A.
Identifiers: ClinVar variation 2100624 (VCV002100624.4), dbSNP rs758561017, ClinGen allele CA7977297.
Genomic context (GRCh38, chr16:27,631,124, plus strand): 5'-GATTATGGACGAAGAACTCTGTTTCGAGAAGCTGAAGAAGCCTTAAGACGCAGTTCACGG[A>G]CAGCCCCCAGTAAAGTCCAGCGCCGAGGATGGCACCAGGTCTGGAGACTGTGGCCCCAGC-3'
Protein context (NP_056017.4, residues 114-134): AEEALRRSSR[Thr124Ala]APSKVQRRGW